The following is an entry in ClinVar:

NM_002968.3(SALL1):c.691del (p.Glu231fs)

Gene: SALL1 (spalt like transcription factor 1; minus strand). Cytogenetic location: 16q12.1.
Variant type: Deletion.
Coding change: c.691del on transcript NM_002968.3 (MANE Select); coding-DNA position 691, one base deleted (G; older notation c.691delG).
Protein change: p.Glu231fs; shifts the reading frame from glutamic acid 231.
Molecular consequence: frameshift variant.
Genome position (GRCh38, 1-based): chr16:51,141,531, C deleted on the plus strand (G on the coding strand, the reverse complement: SALL1 is on the minus strand); the first of 2 consecutive C bases (chr16:51,141,531-51,141,532); deleting either gives the same sequence. VCF-style (leftmost placement, unchanged base first): chr16-51141530-TC-T. GRCh37 (hg19) VCF-style: chr16-51175441-TC-T.
Other names: c.400del, p.Glu134fs (NM_001127892.2); short protein forms E134fs, E231fs.
Identifiers: ClinVar variation 1353868 (VCV001353868.6), dbSNP rs2143449682, ClinGen allele CA2573152316.

ClinVar aggregate classification (germline): Pathogenic (1 of 4 stars; one submission).

Conditions:
Townes syndrome (TBS). Also called: Townes-Brocks syndrome. Identifiers: Orphanet 857, MedGen C0265246, MeSH C536974, MONDO:0007142.

Submission:

Labcorp Genetics (formerly Invitae), Labcorp
Classification: Pathogenic for Townes syndrome. Last evaluated: 2022-02-15. Review status: criteria provided, single submitter. Criteria: Invitae Variant Classification Sherloc (09022015). Collection method: clinical testing. Allele origin: germline.
Comment: For these reasons, this variant has been classified as Pathogenic. This variant has not been reported in the literature in individuals affected with SALL1-related conditions. This variant is not present in population databases (gnomAD no frequency). This sequence change creates a premature translational stop signal (p.Glu231Asnfs*4) in the SALL1 gene. It is expected to result in an absent or disrupted protein product. Loss-of-function variants in SALL1 are known to be pathogenic (PMID: 9973281, 12915476, 16088922, 23069192).

Literature cited by the submitters: PubMed 9973281; PubMed 12915476; PubMed 16088922; PubMed 23069192.